The following is an entry in ClinVar:

NM_000038.6(APC):c.7066A>C (p.Thr2356Pro)

Gene: APC (APC regulator of Wnt signaling pathway; plus strand). Cytogenetic location: 5q22.2.
Variant type: single nucleotide variant.
Coding change: c.7066A>C on transcript NM_000038.6 (MANE Select); coding-DNA position 7066, A replaced by C.
Protein change: p.Thr2356Pro; replaces threonine 2356 with proline.
Molecular consequence: missense variant.
Genome position (GRCh38, 1-based): chr5:112,842,660, A>C. VCF-style: chr5-112842660-A-C. GRCh37 (hg19) VCF-style: chr5-112178357-A-C.
Other names: c.6982A>C, p.Thr2328Pro (NM_001354899.2); c.6943A>C, p.Thr2315Pro (NM_001354900.2); c.6889A>C, p.Thr2297Pro (NM_001354901.2); c.6793A>C, p.Thr2265Pro (NM_001354902.2); c.6763A>C, p.Thr2255Pro (NM_001354903.2); c.6688A>C, p.Thr2230Pro (NM_001354904.2); c.6586A>C, p.Thr2196Pro (NM_001354905.2); c.6217A>C, p.Thr2073Pro (NM_001354906.2); and 5 more; short protein forms T2338P, T2356P, T2230P, T2265P, T2297P, T2073P, T2255P, T2315P.
Identifiers: ClinVar variation 537412 (VCV000537412.15), dbSNP rs751861630, ClinGen allele CA16036726.
Genomic context (GRCh38, chr5:112,842,660, plus strand): 5'-ATAAGTCCTCCTAACAAATTATCTCAACTTCCAAGGACATCATCCCCTAGTACTGCTTCA[A>C]CTAAGTCCTCAGGTTCTGGAAAAATGTCATATACATCTCCAGGTAGACAGATGAGCCAAC-3'
Protein context (NP_000029.2, residues 2346-2366): PRTSSPSTAS[Thr2356Pro]KSSGSGKMSY

ClinVar aggregate classification (germline): Uncertain significance. Review status: criteria provided, multiple submitters, no conflicts (2 of 4 stars). 2 submissions from 2 submitters: Uncertain significance (2). Last evaluated 2025-09-10.

Conditions:
Hereditary cancer-predisposing syndrome. Also called: Tumor predisposition; Hereditary Cancer Syndrome; Hereditary neoplastic syndrome; Neoplastic Syndromes, Hereditary. Identifiers: Orphanet 140162, MedGen C0027672, MeSH D009386, MONDO:0015356.
Familial adenomatous polyposis 1 (FAP1). Also called: FAMILIAL ADENOMATOUS POLYPOSIS 1, ATTENUATED; POLYPOSIS, ADENOMATOUS INTESTINAL. Identifiers: MedGen C2713442, MONDO:0021056, OMIM 175100. Disease mechanism: loss of function.

Submissions (2):

Labcorp Genetics (formerly Invitae), Labcorp
Classification: Uncertain significance for Familial adenomatous polyposis 1. Last evaluated: 2025-09-10. Review status: criteria provided, single submitter. Criteria: Invitae Variant Classification Sherloc (09022015). Collection method: clinical testing. Allele origin: germline.
Comment: This sequence change replaces threonine, which is neutral and polar, with proline, which is neutral and non-polar, at codon 2356 of the APC protein (p.Thr2356Pro). This variant is not present in population databases (gnomAD no frequency). This variant has not been reported in the literature in individuals affected with APC-related conditions. ClinVar contains an entry for this variant (Variation ID: 537412). Invitae Evidence Modeling of protein sequence and biophysical properties (such as structural, functional, and spatial information, amino acid conservation, physicochemical variation, residue mobility, and thermodynamic stability) indicates that this missense variant is not expected to disrupt APC protein function with a negative predictive value of 95%. In summary, the available evidence is currently insufficient to determine the role of this variant in disease. Therefore, it has been classified as a Variant of Uncertain Significance.

Ambry Genetics
Classification: Uncertain significance for Hereditary cancer-predisposing syndrome. Last evaluated: 2025-03-24. Review status: criteria provided, single submitter. Criteria: Ambry Variant Classification Scheme 2023. Collection method: clinical testing. Allele origin: germline.
Comment: The p.T2356P variant (also known as c.7066A>C), located in coding exon 15 of the APC gene, results from an A to C substitution at nucleotide position 7066. The threonine at codon 2356 is replaced by proline, an amino acid with highly similar properties. This amino acid position is well conserved in available vertebrate species. In addition, in silico predictors for this gene do not accurately predict pathogenicity. Missense alterations in APC are not a common cause of disease (Spier I et al. Genet Med. 2024 Feb;26(2):100992). Based on the available evidence, the clinical significance of this variant remains unclear.